The following is an entry in ClinVar:

ClinVar aggregate classification (germline): Uncertain significance (1 of 4 stars; one submission).

Submission:

Labcorp Genetics (formerly Invitae), Labcorp
Classification: Uncertain significance. Last evaluated: 2025-10-13. Review status: criteria provided, single submitter. Criteria: Invitae Variant Classification Sherloc (09022015). Collection method: clinical testing. Allele origin: germline.
Comment: This sequence change replaces isoleucine, which is neutral and non-polar, with phenylalanine, which is neutral and non-polar, at codon 405 of the CAPN5 protein (p.Ile405Phe). This variant is not present in population databases (gnomAD no frequency). This variant has not been reported in the literature in individuals affected with CAPN5-related conditions. ClinVar contains an entry for this variant (Variation ID: 1425321). Invitae Evidence Modeling of protein sequence and biophysical properties (such as structural, functional, and spatial information, amino acid conservation, physicochemical variation, residue mobility, and thermodynamic stability) indicates that this missense variant is not expected to disrupt CAPN5 protein function with a negative predictive value of 80%. In summary, the available evidence is currently insufficient to determine the role of this variant in disease. Therefore, it has been classified as a Variant of Uncertain Significance.

NM_004055.5(CAPN5):c.1213A>T (p.Ile405Phe)

Gene: CAPN5 (calpain 5; plus strand). Cytogenetic location: 11q13.5.
Variant type: single nucleotide variant.
Coding change: c.1213A>T on transcript NM_004055.5 (MANE Select); coding-DNA position 1213, A replaced by T.
Protein change: p.Ile405Phe; replaces isoleucine 405 with phenylalanine.
Molecular consequence: missense variant.
Genome position (GRCh38, 1-based): chr11:77,119,075, A>T. VCF-style: chr11-77119075-A-T. GRCh37 (hg19) VCF-style: chr11-76830121-A-T.
Other names: short protein forms I405F.
Identifiers: ClinVar variation 1425321 (VCV001425321.6), dbSNP rs782677539, ClinGen allele CA381942252.